The following is an entry in ClinVar:

NM_000108.5(DLD):c.901G>A (p.Ala301Thr)

Gene: DLD (dihydrolipoamide dehydrogenase; plus strand). Cytogenetic location: 7q31.1.
Variant type: single nucleotide variant.
Coding change: c.901G>A on transcript NM_000108.5 (MANE Select); coding-DNA position 901, G replaced by A.
Protein change: p.Ala301Thr; replaces alanine 301 with threonine.
Molecular consequence: missense variant.
Genome position (GRCh38, 1-based): chr7:107,916,819, G>A. VCF-style: chr7-107916819-G-A. GRCh37 (hg19) VCF-style: chr7-107557264-G-A.
Other names: c.604G>A, p.Ala202Thr (NM_001289750.1); c.832G>A, p.Ala278Thr (NM_001289751.1); c.757G>A, p.Ala253Thr (NM_001289752.1); short protein forms A253T, A278T, A301T, A202T.
Identifiers: ClinVar variation 1474138 (VCV001474138.3), dbSNP rs1466290130, ClinGen allele CA368857493.

ClinVar aggregate classification (germline): Uncertain significance (1 of 4 stars; one submission).

Conditions:
Pyruvate dehydrogenase E3 deficiency (DLDD). Also called: Dihydrolipoamide Dehydrogenase (E3) Deficiency; MAPLE SYRUP URINE DISEASE, TYPE III; DLD DEFICIENCY; E3 DEFICIENCY; Dihydrolipoamide Dehydrogenase Deficiency; Lipoamide dehydrogenase deficiency, lactic acidosis due to. Identifiers: Orphanet 2394, Orphanet 765, MedGen C5574660, MONDO:0009529, OMIM 246900.

Allele frequency attached by ClinVar (database versions not stated): gnomAD exomes below 0.00001; gnomAD 0.00002.
gnomAD v4.1: 5 of 1,613,142 alleles (0.00031%); highest among the groups gnomAD compares: Admixed American, 0.0017%; no homozygotes.

Submission:

Labcorp Genetics (formerly Invitae), Labcorp
Classification: Uncertain significance for Pyruvate dehydrogenase E3 deficiency. Last evaluated: 2021-10-08. Review status: criteria provided, single submitter. Criteria: Invitae Variant Classification Sherloc (09022015). Collection method: clinical testing. Allele origin: germline.
Comment: This sequence change replaces alanine with threonine at codon 301 of the DLD protein (p.Ala301Thr). The alanine residue is weakly conserved and there is a small physicochemical difference between alanine and threonine. This variant is not present in population databases (ExAC no frequency). This variant has not been reported in the literature in individuals with DLD-related conditions. Algorithms developed to predict the effect of missense changes on protein structure and function (SIFT, PolyPhen-2, Align-GVGD) all suggest that this variant is likely to be tolerated, but these predictions have not been confirmed by published functional studies and their clinical significance is uncertain. In summary, the available evidence is currently insufficient to determine the role of this variant in disease. Therefore, it has been classified as a Variant of Uncertain Significance.